The following is an entry in ClinVar:

NM_000179.3(MSH6):c.1597G>C (p.Glu533Gln)

Gene: MSH6 (mutS homolog 6; plus strand). Cytogenetic location: 2p16.3.
Variant type: single nucleotide variant.
Coding change: c.1597G>C on transcript NM_000179.3 (MANE Select); coding-DNA position 1597, G replaced by C.
Protein change: p.Glu533Gln; replaces glutamic acid 533 with glutamine.
Molecular consequence: missense variant.
Genome position (GRCh38, 1-based): chr2:47,799,580, G>C. VCF-style: chr2-47799580-G-C. GRCh37 (hg19) VCF-style: chr2-48026719-G-C.
Other names: c.1207G>C, p.Glu403Gln (NM_001281492.2); c.691G>C, p.Glu231Gln (NM_001281493.2, NM_001281494.2); short protein forms E533Q, E403Q, E231Q.
Identifiers: ClinVar variation 489965 (VCV000489965.5), dbSNP rs1553412979, ClinGen allele CA346746938.

ClinVar aggregate classification (germline): Uncertain significance (1 of 4 stars; one submission).

Conditions:
Hereditary cancer-predisposing syndrome. Also called: Hereditary Cancer Syndrome; Neoplastic Syndromes, Hereditary; Tumor predisposition; Hereditary neoplastic syndrome. Identifiers: Orphanet 140162, MedGen C0027672, MeSH D009386, MONDO:0015356.

Submission:

Color Diagnostics, LLC DBA Color Health
Classification: Uncertain significance for Hereditary cancer-predisposing syndrome. Last evaluated: 2023-12-05. Review status: criteria provided, single submitter. Criteria: ACMG Guidelines, 2015. Collection method: clinical testing. Allele origin: germline.
Comment: This missense variant replaces glutamic acid with glutamine at codon 533 of the MSH6 protein. Computational prediction suggests that this variant may not impact protein structure and function (internally defined REVEL score threshold <= 0.5, PMID: 27666373). To our knowledge, functional studies have not been reported for this variant. This variant has not been reported in individuals affected with MSH6-related disorders in the literature. This variant has not been identified in the general population by the Genome Aggregation Database (gnomAD). The available evidence is insufficient to determine the role of this variant in disease conclusively. Therefore, this variant is classified as a Variant of Uncertain Significance.